The following is an entry in ClinVar:

NM_001079802.2(FKTN):c.647G>T (p.Arg216Met)

Gene: FKTN (fukutin; plus strand). Cytogenetic location: 9q31.2.
Variant type: single nucleotide variant.
Coding change: c.647G>T on transcript NM_001079802.2 (MANE Select); coding-DNA position 647, G replaced by T.
Protein change: p.Arg216Met; replaces arginine 216 with methionine.
Molecular consequence: missense variant. On other transcripts: non-coding transcript variant (2).
Genome position (GRCh38, 1-based): chr9:105,604,492, G>T. VCF-style: chr9-105604492-G-T. GRCh37 (hg19) VCF-style: chr9-108366773-G-T.
Other names: c.647G>T, p.Arg216Met (NM_001198963.2, NM_001351496.2, NM_001351498.2 and 1 more transcripts); c.578G>T, p.Arg193Met (NM_001351497.2); c.251G>T, p.Arg84Met (NM_001351499.2, NM_001351500.2, NM_001351501.2 and 1 more transcripts); short protein forms R216M, R193M, R84M.
Identifiers: ClinVar variation 2020166 (VCV002020166.4), dbSNP rs1828504500, ClinGen allele CA374332445.

ClinVar aggregate classification (germline): Uncertain significance (1 of 4 stars; one submission).

Conditions:
Walker-Warburg congenital muscular dystrophy. Also called: Muscular dystrophy-dystroglycanopathy, type A; Walker-Warburg syndrome. Identifiers: Orphanet 899, MedGen C0265221, MONDO:0000171.

Submission:

Labcorp Genetics (formerly Invitae), Labcorp
Classification: Uncertain significance for Walker-Warburg congenital muscular dystrophy. Last evaluated: 2022-08-08. Review status: criteria provided, single submitter. Criteria: Invitae Variant Classification Sherloc (09022015). Collection method: clinical testing. Allele origin: germline.
Comment: This sequence change replaces arginine, which is basic and polar, with methionine, which is neutral and non-polar, at codon 216 of the FKTN protein (p.Arg216Met). This variant also falls at the last nucleotide of exon 6, which is part of the consensus splice site for this exon. This variant is not present in population databases (gnomAD no frequency). This variant has not been reported in the literature in individuals affected with FKTN-related conditions. Algorithms developed to predict the effect of missense changes on protein structure and function are either unavailable or do not agree on the potential impact of this missense change (SIFT: "Deleterious"; PolyPhen-2: "Possibly Damaging"; Align-GVGD: "Class C0"). Variants that disrupt the consensus splice site are a relatively common cause of aberrant splicing (PMID: 17576681, 9536098). In summary, the available evidence is currently insufficient to determine the role of this variant in disease. Therefore, it has been classified as a Variant of Uncertain Significance.

Literature cited by the submitters: PubMed 17576681; PubMed 9536098.